The following is an entry in ClinVar:

NM_001042492.3(NF1):c.5784_5799dup (p.Phe1934fs)

Gene: NF1 (neurofibromin 1; plus strand). Cytogenetic location: 17q11.2.
Variant type: Duplication.
Coding change: c.5784_5799dup on transcript NM_001042492.3 (MANE Select); coding-DNA positions 5784 to 5799, 16 bases duplicated (AGAGTGTATTTCTGGA).
Protein change: p.Phe1934fs; shifts the reading frame from phenylalanine 1934.
Molecular consequence: frameshift variant.
Genome position (GRCh38, 1-based): chr17:31,330,470-31,330,485, AGAGTGTATTTCTGGA duplicated; duplicating any 16 consecutive bases within chr17:31,330,466-31,330,485 gives the same sequence; the c. name uses the placement nearest the transcript's 3' end. VCF-style (leftmost placement, unchanged base first): chr17-31330465-T-TTGGAAGAGTGTATTTC. GRCh37 (hg19) VCF-style: chr17-29657483-T-TTGGAAGAGTGTATTTC.
Other names: c.5721_5736dup, p.Phe1913Argfs (NM_000267.4); short protein forms F1934fs, F1913fs.
Identifiers: ClinVar variation 2800248 (VCV002800248.3), dbSNP rs2508719413, ClinGen allele CA2739267477.
Genomic context (GRCh38, chr17:31,330,465, plus strand): 5'-TTTATTGTCTCTATTAGTAAGACACTGGCAGCCAATGAGCCACACCTCACGTTAGAATTT[T>TTGGAAGAGTGTATTTC]TGGAAGAGTGTATTTCTGGATTTAGCAAATCTAGTAAGTAATGATAATTTTCTTTAATAC-3'

ClinVar aggregate classification (germline): Pathogenic (1 of 4 stars; one submission).

Conditions:
Neurofibromatosis, type 1 (NF1). Also called: VON RECKLINGHAUSEN DISEASE; Neurofibromatosis, type I; NEUROFIBROMATOSIS, TYPE I, SOMATIC; Peripheral type neurofibromatosis. Identifiers: Orphanet 636, MedGen C0027831, MONDO:0018975, OMIM 162200. Disease mechanism: loss of function.

Submission:

Labcorp Genetics (formerly Invitae), Labcorp
Classification: Pathogenic for Neurofibromatosis, type 1. Last evaluated: 2023-08-16. Review status: criteria provided, single submitter. Criteria: Invitae Variant Classification Sherloc (09022015). Collection method: clinical testing. Allele origin: germline.
Comment: This variant has not been reported in the literature in individuals affected with NF1-related conditions. This sequence change creates a premature translational stop signal (p.Phe1913Argfs*7) in the NF1 gene. It is expected to result in an absent or disrupted protein product. Loss-of-function variants in NF1 are known to be pathogenic (PMID: 10712197, 23913538). This variant is not present in population databases (gnomAD no frequency). For these reasons, this variant has been classified as Pathogenic.

Literature cited by the submitters: PubMed 10712197; PubMed 23913538.